The following is an entry in ClinVar:

ClinVar aggregate classification (germline): Uncertain significance. Review status: criteria provided, multiple submitters, no conflicts (2 of 4 stars). 2 submissions from 2 submitters: Uncertain significance (2). Last evaluated 2025-09-10.

Conditions:
Inborn genetic diseases. Identifiers: MedGen C0950123, MeSH D030342.

gnomAD v4.1: 120 of 1,613,876 alleles (0.0074%); highest among the groups gnomAD compares: Admixed American, 0.032%; no homozygotes.

Submissions (2):

Ambry Genetics
Classification: Uncertain significance for Inborn genetic diseases. Last evaluated: 2025-09-10. Review status: criteria provided, single submitter. Criteria: Ambry Variant Classification Scheme 2023. Collection method: clinical testing. Allele origin: germline.

Labcorp Genetics (formerly Invitae), Labcorp
Classification: Uncertain significance. Last evaluated: 2025-01-31. Review status: criteria provided, single submitter. Criteria: Invitae Variant Classification Sherloc (09022015). Collection method: clinical testing. Allele origin: germline.
Comment: This sequence change replaces arginine, which is basic and polar, with histidine, which is basic and polar, at codon 198 of the SLC9A3R1 protein (p.Arg198His). This variant is present in population databases (rs764277046, gnomAD 0.03%). This variant has not been reported in the literature in individuals affected with SLC9A3R1-related conditions. An algorithm developed to predict the effect of missense changes on protein structure and function (PolyPhen-2) suggests that this variant is likely to be disruptive. In summary, the available evidence is currently insufficient to determine the role of this variant in disease. Therefore, it has been classified as a Variant of Uncertain Significance.

NM_004252.5(NHERF1):c.593G>A (p.Arg198His)

Gene: NHERF1 (NHERF family PDZ scaffold protein 1; plus strand). Cytogenetic location: 17q25.1.
Variant type: single nucleotide variant.
Coding change: c.593G>A on transcript NM_004252.5 (MANE Select); coding-DNA position 593, G replaced by A.
Protein change: p.Arg198His; replaces arginine 198 with histidine.
Molecular consequence: missense variant.
Genome position (GRCh38, 1-based): chr17:74,762,163, G>A. VCF-style: chr17-74762163-G-A. GRCh37 (hg19) VCF-style: chr17-72758302-G-A.
Other names: c.593G>A (NM_004252.3); short protein forms R198H.
Identifiers: ClinVar variation 3718302 (VCV003718302.3).
Genomic context (GRCh38, chr17:74,762,163, plus strand): 5'-TCATCCGGTCAGTGGACCCAGACTCCCCGGCTGAGGCTTCAGGGCTCCGGGCCCAGGATC[G>A]CATTGTGGAGGTGATGCTTCTCGCTCTCTTCCTATCTGACTGCCCCCACCCCCTGCAGAT-3'
Protein context (NP_004243.1, residues 188-208): AEASGLRAQD[Arg198His]IVEVNGVCME